The following is an entry in ClinVar:

ClinVar aggregate classification (germline): Likely benign (0 of 4 stars; one submission).

Conditions:
PHIP-related disorder. Also called: PHIP-related condition; PHIP-related disorders.

Submission:

PreventionGenetics, part of Exact Sciences
Classification: Likely benign for PHIP-related condition. Last evaluated: 2024-07-08. Review status: no assertion criteria provided. Collection method: clinical testing. Allele origin: germline.
Comment: This variant is classified as likely benign based on ACMG/AMP sequence variant interpretation guidelines (Richards et al. 2015 PMID: 25741868, with internal and published modifications).

NM_017934.7(PHIP):c.3927A>G (p.Leu1309=)

Genes: IRAK1BP1 (interleukin 1 receptor associated kinase 1 binding protein 1; plus strand), PHIP (PHIP subunit of CUL4-Ring ligase complex; minus strand). Cytogenetic location: 6q14.1.
Variant type: single nucleotide variant.
Coding change: c.3927A>G on transcript NM_017934.7 (MANE Select); coding-DNA position 3927, A replaced by G.
Protein change: p.Leu1309=; no amino-acid change (leucine 1309 retained).
Molecular consequence: synonymous variant.
Genome position (GRCh38, 1-based): chr6:78,954,940, T>C on the plus strand (A>G on the coding strand, the complement: PHIP is on the minus strand). VCF-style: chr6-78954940-T-C. GRCh37 (hg19) VCF-style: chr6-79664657-T-C.
Identifiers: ClinVar variation 3344316 (VCV003344316.1).
Genomic context (GRCh38, chr6:78,954,940, plus strand): 5'-TAACAATTCTTCACACTGTTTCTTCCATGCTTGAATATCGTAAGACTGGGCTCTATTACG[T>C]AATCTTCTTCTAGGCTGATGGTCCTGTGATAAAAGTGTTCAAATATATTAATAAAAGAGC-3'
Protein context (NP_060404.4, residues 1299-1319): KRKDHQPRRR[Leu1309=]RNRAQSYDIQ